The following is an entry in ClinVar:

ClinVar aggregate classification (germline): Uncertain significance (1 of 4 stars; one submission).

Conditions:
Familial adenomatous polyposis 1 (FAP1). Also called: POLYPOSIS, ADENOMATOUS INTESTINAL; FAMILIAL ADENOMATOUS POLYPOSIS 1, ATTENUATED. Identifiers: MedGen C2713442, MONDO:0021056, OMIM 175100. Disease mechanism: loss of function.

Submission:

Labcorp Genetics (formerly Invitae), Labcorp
Classification: Uncertain significance for Familial adenomatous polyposis 1. Last evaluated: 2024-02-27. Review status: criteria provided, single submitter. Criteria: Invitae Variant Classification Sherloc (09022015). Collection method: clinical testing. Allele origin: germline.
Comment: This variant occurs in a non-coding region of the APC gene. It does not change the encoded amino acid sequence of the APC protein. This variant is not present in population databases (gnomAD no frequency). This variant has not been reported in the literature in individuals affected with APC-related conditions. Experimental studies and prediction algorithms are not available or were not evaluated, and the functional significance of this variant is currently unknown. In summary, the available evidence is currently insufficient to determine the role of this variant in disease. Therefore, it has been classified as a Variant of Uncertain Significance.

NC_000005.10:g.112707363G>T

Gene: APC (APC regulator of Wnt signaling pathway; plus strand). Cytogenetic location: 5q22.2.
Variant type: single nucleotide variant.
Genome position: GRCh38 VCF-style: chr5-112707363-G-T. GRCh37 (hg19) VCF-style: chr5-112043060-G-T.
Identifiers: ClinVar variation 2080006 (VCV002080006.4), dbSNP rs1580995331, ClinGen allele CA2580072224.
Genomic context (GRCh38, chr5:112,707,363, plus strand): 5'-TTAACTGGGCTGCAGCACAATTCAGAGAAGGCCAGTAAGTGCTGCAACTGAGACTCGGCT[G>T]CCTAGGCAGCAATGGCTCACGGGACAGAACAGCGAAGCAGTGCCCGGCAAGCGGAGCGCA-3'